The following is an entry in ClinVar:

NM_000059.4(BRCA2):c.3860A>G (p.Asn1287Ser)

Gene: BRCA2 (BRCA2 DNA repair associated; plus strand). Cytogenetic location: 13q13.1.
Variant type: single nucleotide variant.
Coding change: c.3860A>G on transcript NM_000059.4 (MANE Select); coding-DNA position 3860, A replaced by G.
Protein change: p.Asn1287Ser; replaces asparagine 1287 with serine.
Molecular consequence: missense variant. On other transcripts: non-coding transcript variant (1), intron variant (2).
Genome position (GRCh38, 1-based): chr13:32,338,215, A>G. VCF-style: chr13-32338215-A-G. GRCh37 (hg19) VCF-style: chr13-32912352-A-G.
Other names: c.3860A>G, p.Asn1287Ser (NM_001406719.1, NM_001406720.1); c.1909+4828A>G (NM_001406721.1); c.425-6343A>G (NM_001406722.1); short protein forms N1287S.
Identifiers: ClinVar variation 2816369 (VCV002816369.3), dbSNP rs2137500722, ClinGen allele CA387778660.
Genomic context (GRCh38, chr13:32,338,215, plus strand): 5'-ATTCTGTTGTTTCAATGTTTAAGATAGAAAATCATAATGATAAAACTGTAAGTGAAAAAA[A>G]TAATAAATGCCAACTGATATTACAAAATAATATTGAAATGACTACTGGCACTTTTGTTGA-3'
Protein context (NP_000050.3, residues 1277-1297): NHNDKTVSEK[Asn1287Ser]NKCQLILQNN

ClinVar aggregate classification (germline): Uncertain significance (1 of 4 stars; one submission).

Conditions:
Hereditary breast ovarian cancer syndrome. Also called: Hereditary breast and ovarian cancer; BRCA1- and BRCA2-Associated Hereditary Breast and Ovarian Cancer; Hereditary breast and ovarian cancer syndrome; Breast and ovarian cancer; Hereditary breast and ovarian cancer syndrome (HBOC); Hereditary breast and/or ovarian cancer syndrome. Identifiers: Orphanet 145, MedGen C0677776, MeSH D061325, MONDO:0003582. Disease mechanism: loss of function.

Submission:

Labcorp Genetics (formerly Invitae), Labcorp
Classification: Uncertain significance for Hereditary breast ovarian cancer syndrome. Last evaluated: 2022-11-24. Review status: criteria provided, single submitter. Criteria: Invitae Variant Classification Sherloc (09022015). Collection method: clinical testing. Allele origin: germline.
Comment: This sequence change replaces asparagine, which is neutral and polar, with serine, which is neutral and polar, at codon 1287 of the BRCA2 protein (p.Asn1287Ser). This variant is not present in population databases (gnomAD no frequency). This variant has not been reported in the literature in individuals affected with BRCA2-related conditions. Advanced modeling of protein sequence and biophysical properties (such as structural, functional, and spatial information, amino acid conservation, physicochemical variation, residue mobility, and thermodynamic stability) performed at Invitae indicates that this missense variant is not expected to disrupt BRCA2 protein function. In summary, the available evidence is currently insufficient to determine the role of this variant in disease. Therefore, it has been classified as a Variant of Uncertain Significance.